The following is an entry in ClinVar:

ClinVar aggregate classification (germline): Uncertain significance (1 of 4 stars; one submission).

Conditions:
Charcot-Marie-Tooth disease type 4. Also called: Charcot-Marie-Tooth, Type 4; Charcot-Marie-Tooth disease, type IV. Identifiers: Orphanet 64749, MedGen C4082197, MONDO:0018995.

Allele frequency attached by ClinVar (database versions not stated): gnomAD exomes 0.00001 and 0.00003; ExAC 0.00002; TOPMed 0.00005; gnomAD 0.00007.
gnomAD v4.1: 50 of 1,614,104 alleles (0.0031%); highest among the groups gnomAD compares: African/African-American, 0.025%; no homozygotes.

Submission:

Labcorp Genetics (formerly Invitae), Labcorp
Classification: Uncertain significance for Charcot-Marie-Tooth disease type 4. Last evaluated: 2022-08-20. Review status: criteria provided, single submitter. Criteria: Invitae Variant Classification Sherloc (09022015). Collection method: clinical testing. Allele origin: germline.
Comment: This sequence change replaces threonine, which is neutral and polar, with alanine, which is neutral and non-polar, at codon 672 of the SBF2 protein (p.Thr672Ala). This variant is present in population databases (rs770839510, gnomAD 0.008%). This variant has not been reported in the literature in individuals affected with SBF2-related conditions. ClinVar contains an entry for this variant (Variation ID: 567159). Algorithms developed to predict the effect of missense changes on protein structure and function (SIFT, PolyPhen-2, Align-GVGD) all suggest that this variant is likely to be tolerated. In summary, the available evidence is currently insufficient to determine the role of this variant in disease. Therefore, it has been classified as a Variant of Uncertain Significance.

NM_030962.4(SBF2):c.2014A>G (p.Thr672Ala)

Genes: SBF2 (SET binding factor 2; minus strand), LOC101928008 (uncharacterized LOC101928008; plus strand). Cytogenetic location: 11p15.4.
Variant type: single nucleotide variant.
Coding change: c.2014A>G on transcript NM_030962.4 (MANE Select); coding-DNA position 2014, A replaced by G.
Protein change: p.Thr672Ala; replaces threonine 672 with alanine.
Molecular consequence: missense variant.
Genome position (GRCh38, 1-based): chr11:9,858,312, T>C on the plus strand (A>G on the coding strand, the complement: SBF2 is on the minus strand). VCF-style: chr11-9858312-T-C. GRCh37 (hg19) VCF-style: chr11-9879859-T-C.
Other names: c.2014A>G, p.Thr672Ala (NM_001386339.1); c.1885A>G, p.Thr629Ala (NM_001386342.1); short protein forms T672A, T629A.
Identifiers: ClinVar variation 567159 (VCV000567159.6), dbSNP rs770839510, ClinGen allele CA5881665.